The following is an entry in ClinVar:

ClinVar aggregate classification (germline): Uncertain significance (1 of 4 stars; one submission).

Submission:

GeneDx
Classification: Uncertain significance. Last evaluated: 2026-03-18. Review status: criteria provided, single submitter. Criteria: GeneDx Variant Classification Process June 2021. Collection method: clinical testing. Allele origin: germline.
Comment: Not observed at significant frequency in large population cohorts (gnomAD); In silico analysis suggests that this missense variant does not alter protein structure/function; Has not been previously published as pathogenic or benign to our knowledge

NM_021076.4(NEFH):c.179C>T (p.Ala60Val)

Gene: NEFH (neurofilament heavy chain; plus strand). Cytogenetic location: 22q12.2.
Variant type: single nucleotide variant.
Coding change: c.179C>T on transcript NM_021076.4 (MANE Select); coding-DNA position 179, C replaced by T.
Protein change: p.Ala60Val; replaces alanine 60 with valine.
Molecular consequence: missense variant.
Genome position (GRCh38, 1-based): chr22:29,480,441, C>T. VCF-style: chr22-29480441-C-T. GRCh37 (hg19) VCF-style: chr22-29876430-C-T.
Other names: short protein forms A60V.
Identifiers: ClinVar variation 5009471 (VCV005009471.1).